The following is an entry in ClinVar:

ClinVar aggregate classification (germline): Pathogenic (1 of 4 stars; one submission).

Conditions:
Hereditary cancer-predisposing syndrome. Also called: Neoplastic Syndromes, Hereditary; Tumor predisposition; Hereditary neoplastic syndrome; Hereditary Cancer Syndrome. Identifiers: Orphanet 140162, MedGen C0027672, MeSH D009386, MONDO:0015356.

Submission:

Ambry Genetics
Classification: Pathogenic for Hereditary cancer-predisposing syndrome. Last evaluated: 2024-01-12. Review status: criteria provided, single submitter. Criteria: Ambry Variant Classification Scheme 2023. Collection method: clinical testing. Allele origin: germline.
Comment: The c.97dupG pathogenic mutation, located in coding exon 1 of the FLCN gene, results from a duplication of G at nucleotide position 97, causing a translational frameshift with a predicted alternate stop codon (p.D33Gfs*4). This variant is considered to be rare based on population cohorts in the Genome Aggregation Database (gnomAD). This alteration is expected to result in loss of function by premature protein truncation or nonsense-mediated mRNA decay. As such, this alteration is interpreted as a disease-causing mutation.

NM_144997.7(FLCN):c.97dup (p.Asp33fs)

Gene: FLCN (folliculin; minus strand). Cytogenetic location: 17p11.2.
Variant type: Duplication.
Coding change: c.97dup on transcript NM_144997.7 (MANE Select); coding-DNA position 97, one base duplicated (G; older notation c.97dupG).
Protein change: p.Asp33fs; shifts the reading frame from aspartic acid 33.
Molecular consequence: frameshift variant.
Genome position (GRCh38, 1-based): chr17:17,228,041, C duplicated on the plus strand (G on the coding strand, the reverse complement: FLCN is on the minus strand); the first of 4 consecutive C bases (chr17:17,228,041-17,228,044); duplicating any one gives the same sequence. VCF-style (leftmost placement, unchanged base first): chr17-17228040-T-TC. GRCh37 (hg19) VCF-style: chr17-17131354-T-TC.
Other names: c.97dup, p.Asp33fs (NM_001353229.2, NM_001353230.2, NM_001353231.2 and 1 more transcripts); c.97dupG (NM_144997.5); short protein forms D33fs.
Identifiers: ClinVar variation 3229262 (VCV003229262.1), dbSNP rs2544312335, ClinGen allele CA2825002470.